The following is an entry in ClinVar:

NM_006231.4(POLE):c.1036A>G (p.Arg346Gly)

Gene: POLE (DNA polymerase epsilon, catalytic subunit; minus strand). Cytogenetic location: 12q24.33.
Variant type: single nucleotide variant.
Coding change: c.1036A>G on transcript NM_006231.4 (MANE Select); coding-DNA position 1036, A replaced by G.
Protein change: p.Arg346Gly; replaces arginine 346 with glycine.
Molecular consequence: missense variant.
Genome position (GRCh38, 1-based): chr12:132,675,805, T>C on the plus strand (A>G on the coding strand, the complement: POLE is on the minus strand). VCF-style: chr12-132675805-T-C. GRCh37 (hg19) VCF-style: chr12-133252391-T-C.
Other names: c.1036A>G (NM_006231.2); short protein forms R346G.
Identifiers: ClinVar variation 569008 (VCV000569008.7), dbSNP rs1565975682, ClinGen allele CA387361809.

ClinVar aggregate classification (germline): Uncertain significance. Review status: criteria provided, multiple submitters, no conflicts (2 of 4 stars). 2 submissions from 2 submitters: Uncertain significance (2). Last evaluated 2024-10-14.

Conditions:
Hereditary cancer-predisposing syndrome. Also called: Neoplastic Syndromes, Hereditary; Tumor predisposition; Hereditary neoplastic syndrome; Hereditary Cancer Syndrome. Identifiers: Orphanet 140162, MedGen C0027672, MeSH D009386, MONDO:0015356.

Submissions (2):

Labcorp Genetics (formerly Invitae), Labcorp
Classification: Uncertain significance. Last evaluated: 2024-10-14. Review status: criteria provided, single submitter. Criteria: Invitae Variant Classification Sherloc (09022015). Collection method: clinical testing. Allele origin: germline.
Comment: This sequence change replaces arginine, which is basic and polar, with glycine, which is neutral and non-polar, at codon 346 of the POLE protein (p.Arg346Gly). This variant is not present in population databases (gnomAD no frequency). This variant has not been reported in the literature in individuals affected with POLE-related conditions. ClinVar contains an entry for this variant (Variation ID: 569008). Invitae Evidence Modeling of protein sequence and biophysical properties (such as structural, functional, and spatial information, amino acid conservation, physicochemical variation, residue mobility, and thermodynamic stability) has been performed for this missense variant. However, the output from this modeling did not meet the statistical confidence thresholds required to predict the impact of this variant on POLE protein function. In summary, the available evidence is currently insufficient to determine the role of this variant in disease. Therefore, it has been classified as a Variant of Uncertain Significance.

Ambry Genetics
Classification: Uncertain significance for Hereditary cancer-predisposing syndrome. Last evaluated: 2024-07-06. Review status: criteria provided, single submitter. Criteria: Ambry Variant Classification Scheme 2023. Collection method: clinical testing. Allele origin: germline.
Comment: The p.R346G variant (also known as c.1036A>G), located in coding exon 11 of the POLE gene, results from an A to G substitution at nucleotide position 1036. The arginine at codon 346 is replaced by glycine, an amino acid with dissimilar properties. This amino acid position is conserved. In addition, the in silico prediction for this alteration is inconclusive. Based on the available evidence, the clinical significance of this variant remains unclear.